The following is an entry in ClinVar:

NM_021930.6(RINT1):c.193G>A (p.Gly65Arg)

Gene: RINT1 (RAD50 interactor 1; plus strand). Cytogenetic location: 7q22.3.
Variant type: single nucleotide variant.
Coding change: c.193G>A on transcript NM_021930.6 (MANE Select); coding-DNA position 193, G replaced by A.
Protein change: p.Gly65Arg; replaces glycine 65 with arginine.
Molecular consequence: missense variant. On other transcripts: 5 prime UTR variant (3), non-coding transcript variant (1), intron variant (1).
Genome position (GRCh38, 1-based): chr7:105,536,669, G>A. VCF-style: chr7-105536669-G-A. GRCh37 (hg19) VCF-style: chr7-105177116-G-A.
Other names: c.-827G>A (NM_001346600.2); c.-730G>A (NM_001346601.2); c.-350G>A (NM_001346603.2); c.39+57G>A (NM_001346599.2); short protein forms G65R.
Identifiers: ClinVar variation 2561621 (VCV002561621.2), dbSNP rs2485099982, ClinGen allele CA368800378.

ClinVar aggregate classification (germline): Uncertain significance (1 of 4 stars; one submission).

Submission:

Ambry Genetics
Classification: Uncertain significance. Last evaluated: 2023-06-05. Review status: criteria provided, single submitter. Criteria: Ambry Variant Classification Scheme 2023. Collection method: clinical testing. Allele origin: germline.
Comment: The p.G65R variant (also known as c.193G>A), located in coding exon 3 of the RINT1 gene, results from a G to A substitution at nucleotide position 193. The glycine at codon 65 is replaced by arginine, an amino acid with dissimilar properties. This amino acid position is conserved. In addition, this alteration is predicted to be deleterious by in silico analysis. Since supporting evidence is limited at this time, the clinical significance of this alteration remains unclear.